The following is an entry in ClinVar:

NM_004991.4(MECOM):c.416C>T (p.Ala139Val)

Gene: MECOM (MDS1 and EVI1 complex locus; minus strand). Cytogenetic location: 3q26.2.
Variant type: single nucleotide variant.
Coding change: c.416C>T on transcript NM_004991.4 (MANE Select); coding-DNA position 416, C replaced by T.
Protein change: p.Ala139Val; replaces alanine 139 with valine.
Molecular consequence: missense variant. On other transcripts: 5 prime UTR variant (12).
Genome position (GRCh38, 1-based): chr3:169,143,792, G>A on the plus strand (C>T on the coding strand, the complement: MECOM is on the minus strand). VCF-style: chr3-169143792-G-A. GRCh37 (hg19) VCF-style: chr3-168861580-G-A.
Other names: c.44C>T, p.Ala15Val (NM_001105077.4); c.-149C>T (NM_001105078.4, NM_001163999.2, NM_001164000.2 and 9 more transcripts); c.416C>T, p.Ala139Val (NM_001366466.2, NM_001366473.2); short protein forms A139V, A15V.
Identifiers: ClinVar variation 4053205 (VCV004053205.1).

ClinVar aggregate classification (germline): Uncertain significance (1 of 4 stars; one submission).

Conditions:
Inborn genetic diseases. Identifiers: MedGen C0950123, MeSH D030342.

Submission:

Ambry Genetics
Classification: Uncertain significance for Inborn genetic diseases. Last evaluated: 2025-04-19. Review status: criteria provided, single submitter. Criteria: Ambry Variant Classification Scheme 2023. Collection method: clinical testing. Allele origin: germline.
Comment: The p.A139V variant (also known as c.416C>T), located in coding exon 3 of the MECOM gene, results from a C to T substitution at nucleotide position 416. The alanine at codon 139 is replaced by valine, an amino acid with similar properties. This amino acid position is conserved. In addition, the in silico prediction for this alteration is inconclusive. Based on the available evidence, the clinical significance of this variant remains unclear.